The following is an entry in ClinVar:

NM_001177693.2(ARHGEF28):c.3311-4A>G

Gene: ARHGEF28 (Rho guanine nucleotide exchange factor 28; plus strand). Cytogenetic location: 5q13.2.
Variant type: single nucleotide variant.
Coding change: c.3311-4A>G on transcript NM_001177693.2 (MANE Select); 4 bases into the intron before coding-DNA position 3311, A replaced by G.
Molecular consequence: intron variant.
Genome position (GRCh38, 1-based): chr5:73,887,599, A>G. VCF-style: chr5-73887599-A-G. GRCh37 (hg19) VCF-style: chr5-73183424-A-G.
Other names: c.3311-4A>G (NM_001080479.3, NM_001388078.1); c.3017-4A>G (NM_001388076.1); c.2372-4A>G (NM_001244364.2).
Identifiers: ClinVar variation 3388086 (VCV003388086.14).

ClinVar aggregate classification (germline): Likely benign (1 of 4 stars; one submission).

gnomAD v4.1: 1,281 of 1,548,944 alleles (0.083%); highest among the groups gnomAD compares: African/African-American, 0.69%; 5 homozygotes.

Submission:

CeGaT Center for Human Genetics Tuebingen
Classification: Likely benign. Last evaluated: 2024-11-01. Review status: criteria provided, single submitter. Criteria: CeGaT Center For Human Genetics Tuebingen Variant Classification Criteria Version 2. Collection method: clinical testing. Allele origin: germline. Affected: yes. Observed: 1 variant allele.
Comment: ARHGEF28: BP4, BS2